The following is an entry in ClinVar:

NM_013254.4(TBK1):c.1619A>T (p.Glu540Val)

Gene: TBK1 (TANK binding kinase 1; plus strand). Cytogenetic location: 12q14.2.
Variant type: single nucleotide variant.
Coding change: c.1619A>T on transcript NM_013254.4 (MANE Select); coding-DNA position 1619, A replaced by T.
Protein change: p.Glu540Val; replaces glutamic acid 540 with valine.
Molecular consequence: missense variant.
Genome position (GRCh38, 1-based): chr12:64,495,580, A>T. VCF-style: chr12-64495580-A-T. GRCh37 (hg19) VCF-style: chr12-64889360-A-T.
Other names: short protein forms E540V.
Identifiers: ClinVar variation 937635 (VCV000937635.11), dbSNP rs768023625, ClinGen allele CA238275405.

ClinVar aggregate classification (germline): Uncertain significance. Review status: criteria provided, multiple submitters, no conflicts (2 of 4 stars). 3 submissions from 3 submitters: Uncertain significance (2). 1 of the submissions does not count toward it. Last evaluated 2021-12-03.

Conditions:
Inborn genetic diseases. Identifiers: MedGen C0950123, MeSH D030342.
Frontotemporal dementia and/or amyotrophic lateral sclerosis 4. Also called: FTDALS4. Identifiers: Orphanet 275872, MedGen C4225325, MONDO:0014641, OMIM 616439.
TBK1-related disorder. Also called: TBK1-related condition.

Allele frequency attached by ClinVar (database versions not stated): gnomAD exomes below 0.00001 and 0.00003; gnomAD 0.00001; TOPMed 0.00001.
gnomAD v4.1: 37 of 1,613,948 alleles (0.0023%); highest among the groups gnomAD compares: Non-Finnish European, 0.0031%; no homozygotes.

Submissions (3):

Ambry Genetics
Classification: Uncertain significance for Inborn genetic diseases. Last evaluated: 2021-12-03. Review status: criteria provided, single submitter. Criteria: Ambry Variant Classification Scheme 2023. Collection method: clinical testing. Allele origin: germline.

Labcorp Genetics (formerly Invitae), Labcorp
Classification: Uncertain significance for Frontotemporal dementia and/or amyotrophic lateral sclerosis 4. Last evaluated: 2021-08-06. Review status: criteria provided, single submitter. Criteria: Invitae Variant Classification Sherloc (09022015). Collection method: clinical testing. Allele origin: germline.
Comment: In summary, the available evidence is currently insufficient to determine the role of this variant in disease. Therefore, it has been classified as a Variant of Uncertain Significance. Algorithms developed to predict the effect of sequence changes on RNA splicing suggest that this variant may create or strengthen a splice site, but this prediction has not been confirmed by published transcriptional studies. Algorithms developed to predict the effect of missense changes on protein structure and function (SIFT, PolyPhen-2, Align-GVGD) all suggest that this variant is likely to be tolerated, but these predictions have not been confirmed by published functional studies and their clinical significance is uncertain. This variant has not been reported in the literature in individuals with TBK1-related conditions. This variant is not present in population databases (ExAC no frequency). This sequence change replaces glutamic acid with valine at codon 540 of the TBK1 protein (p.Glu540Val). The glutamic acid residue is highly conserved and there is a moderate physicochemical difference between glutamic acid and valine.

PreventionGenetics, part of Exact Sciences
Classification: Uncertain significance for TBK1-related condition. Last evaluated: 2024-07-30. Review status: no assertion criteria provided. Collection method: clinical testing. Allele origin: germline. Not counted in ClinVar's aggregate classification.
Comment: The TBK1 c.1619A>T variant is predicted to result in the amino acid substitution p.Glu540Val. To our knowledge, this variant has not been reported in the literature. This variant is reported in 0.00088% of alleles in individuals of European (Non-Finnish) descent in gnomAD. At this time, the clinical significance of this variant is uncertain due to the absence of conclusive functional and genetic evidence.